The following is an entry in ClinVar:

ClinVar aggregate classification (germline): Likely benign. Review status: criteria provided, multiple submitters, no conflicts (2 of 4 stars). 3 submissions from 3 submitters: Likely benign (2). 1 of the submissions does not count toward it. Last evaluated 2026-01-19.

Conditions:
Hereditary spastic paraplegia 49 (HSAN9). Also called: Spastic paraplegia 49, autosomal recessive; TECPR2-Related Hereditary Sensory and Autonomic Neuropathy with Intellectual Disability; NEUROPATHY, HEREDITARY SENSORY AND AUTONOMIC, TYPE IX, WITH DEVELOPMENTAL DELAY. Identifiers: Orphanet 320385, MedGen C5190860, MONDO:0014016, OMIM 615031.

Allele frequency attached by ClinVar (database versions not stated): TOPMed 0.00002; gnomAD 0.00004 and 0.00005; gnomAD exomes 0.00009 and 0.00017; 1000 Genomes Project 30x 0.00016; ExAC 0.00024.
gnomAD v4.1: 136 of 1,612,814 alleles (0.0084%); highest among the groups gnomAD compares: South Asian, 0.12%; no homozygotes.

Submissions (3):

Labcorp Genetics (formerly Invitae), Labcorp
Classification: Likely benign for Hereditary spastic paraplegia 49. Last evaluated: 2026-01-19. Review status: criteria provided, single submitter. Criteria: Invitae Variant Classification Sherloc (09022015). Collection method: clinical testing. Allele origin: germline.

CeGaT Center for Human Genetics Tuebingen
Classification: Likely benign. Last evaluated: 2023-01-01. Review status: criteria provided, single submitter. Criteria: CeGaT Center For Human Genetics Tuebingen Variant Classification Criteria Version 2. Collection method: clinical testing. Allele origin: germline. Affected: yes. Observed: 1 variant allele.
Comment: TECPR2: BP4, BP7

Natera, Inc.
Classification: Uncertain significance for Autosomal recessive spastic paraplegia type 49. Last evaluated: 2020-03-11. Review status: no assertion criteria provided. Collection method: clinical testing. Allele origin: germline. Not counted in ClinVar's aggregate classification.

NM_014844.5(TECPR2):c.1335C>T (p.Asn445=)

Gene: TECPR2 (tectonin beta-propeller repeat containing 2; plus strand). Cytogenetic location: 14q32.31.
Variant type: single nucleotide variant.
Coding change: c.1335C>T on transcript NM_014844.5 (MANE Select); coding-DNA position 1335, C replaced by T.
Protein change: p.Asn445=; no amino-acid change (asparagine 445 retained).
Molecular consequence: synonymous variant.
Genome position (GRCh38, 1-based): chr14:102,432,046, C>T. VCF-style: chr14-102432046-C-T. GRCh37 (hg19) VCF-style: chr14-102898383-C-T.
Other names: c.1335C>T, p.Asn445= (NM_001172631.3).
Identifiers: ClinVar variation 701172 (VCV000701172.37), dbSNP rs778115838, ClinGen allele CA7357700.
Genomic context (GRCh38, chr14:102,432,046, plus strand): 5'-TGGGCTCCAGGCCACCCCTGAGCTGGGCAAGGGCAGCCAGCCCCTGTCACAGAGATTCAA[C>T]GCCATCAGCTCAGAGGACTTTGACCAGGAGCTTGTCGTGAAGCCTATCAAAGTGAAAAGG-3'
Protein context (NP_055659.2, residues 435-455): KGSQPLSQRF[Asn445=]AISSEDFDQE